The following is an entry in ClinVar:

NM_001972.4(ELANE):c.321C>A (p.Asn107Lys)

Gene: ELANE (elastase, neutrophil expressed; plus strand). Cytogenetic location: 19p13.3.
Variant type: single nucleotide variant.
Coding change: c.321C>A on transcript NM_001972.4 (MANE Select); coding-DNA position 321, C replaced by A.
Protein change: p.Asn107Lys; replaces asparagine 107 with lysine.
Molecular consequence: missense variant.
Genome position (GRCh38, 1-based): chr19:853,358, C>A. VCF-style: chr19-853358-C-A. GRCh37 (hg19) VCF-style: chr19-853358-C-A.
Other names: short protein forms N107K.
Identifiers: ClinVar variation 4618418 (VCV004618418.1).

ClinVar aggregate classification (germline): Uncertain significance (1 of 4 stars; one submission).

Conditions:
Inborn genetic diseases. Identifiers: MedGen C0950123, MeSH D030342.

gnomAD v4.1: 1 of 1,611,582 alleles (0.000062%); highest among the groups gnomAD compares: South Asian, 0.0011%; no homozygotes.

Submission:

Ambry Genetics
Classification: Uncertain significance for Inborn genetic diseases. Last evaluated: 2025-11-16. Review status: criteria provided, single submitter. Criteria: Ambry Variant Classification Scheme 2023. Collection method: clinical testing. Allele origin: germline.
Comment: The p.N107K variant (also known as c.321C>A), located in coding exon 3 of the ELANE gene, results from a C to A substitution at nucleotide position 321. The asparagine at codon 107 is replaced by lysine, an amino acid with similar properties. This amino acid position is conserved. In addition, the in silico prediction for this alteration is inconclusive. Based on the available evidence, the clinical significance of this variant remains unclear.